The following is an entry in ClinVar:

NM_001148.6(ANK2):c.6364A>G (p.Met2122Val)

Gene: ANK2 (ankyrin 2; plus strand). Cytogenetic location: 4q26.
Variant type: single nucleotide variant.
Coding change: c.6364A>G on transcript NM_001148.6 (MANE Select); coding-DNA position 6364, A replaced by G.
Protein change: p.Met2122Val; replaces methionine 2122 with valine.
Molecular consequence: missense variant. On other transcripts: intron variant (68).
Genome position (GRCh38, 1-based): chr4:113,354,982, A>G. VCF-style: chr4-113354982-A-G. GRCh37 (hg19) VCF-style: chr4-114276138-A-G.
Other names: c.6130A>G, p.Met2044Val (NM_001386142.1); c.2764A>G, p.Met922Val (NM_001386166.1); c.6505A>G, p.Met2169Val (NM_001386174.1); c.6481A>G, p.Met2161Val (NM_001386175.1); c.4411+4733A>G (NM_001386186.2, NM_001386148.2); c.4213+4733A>G (NM_001354269.3); c.4291+4733A>G (NM_001386187.2); c.4252+4733A>G (NM_001386147.1); and 35 more; short protein forms M2044V, M2122V, M2161V, M2169V, M922V.
Identifiers: ClinVar variation 1001045 (VCV001001045.5), dbSNP rs745883307, ClinGen allele CA3051406.

ClinVar aggregate classification (germline): Uncertain significance (1 of 4 stars; one submission).

Conditions:
Long QT syndrome (LQTS). Identifiers: MedGen C0023976, MeSH D008133, MONDO:0002442. Disease mechanism: loss of function. Inheritance: Various modes of inheritance.

Allele frequency attached by ClinVar (database versions not stated): gnomAD exomes below 0.00001 and 0.00001; ExAC 0.00002.
gnomAD v4.1: 5 of 1,614,094 alleles (0.00031%); highest among the groups gnomAD compares: South Asian, 0.0033%; no homozygotes.

Submission:

Labcorp Genetics (formerly Invitae), Labcorp
Classification: Uncertain significance for Long QT syndrome. Last evaluated: 2020-05-21. Review status: criteria provided, single submitter. Criteria: Invitae Variant Classification Sherloc (09022015). Collection method: clinical testing. Allele origin: germline.
Comment: Algorithms developed to predict the effect of missense changes on protein structure and function (SIFT, PolyPhen-2, Align-GVGD) all suggest that this variant is likely to be tolerated, but these predictions have not been confirmed by published functional studies and their clinical significance is uncertain. In summary, the available evidence is currently insufficient to determine the role of this variant in disease. Therefore, it has been classified as a Variant of Uncertain Significance. This variant has not been reported in the literature in individuals with ANK2-related conditions. This variant is present in population databases (rs745883307, ExAC 0.006%). This sequence change replaces methionine with valine at codon 2122 of the ANK2 protein (p.Met2122Val). The methionine residue is weakly conserved and there is a small physicochemical difference between methionine and valine.